The following is an entry in ClinVar:

NM_004006.3(DMD):c.2051C>T (p.Thr684Ile)

Gene: DMD (dystrophin; minus strand). Cytogenetic location: Xp21.1.
Variant type: single nucleotide variant.
Coding change: c.2051C>T on transcript NM_004006.3 (MANE Select); coding-DNA position 2051, C replaced by T.
Protein change: p.Thr684Ile; replaces threonine 684 with isoleucine.
Molecular consequence: missense variant.
Genome position (GRCh38, 1-based): chrX:32,545,276, G>A on the plus strand (C>T on the coding strand, the complement: DMD is on the minus strand). VCF-style: chrX-32545276-G-A. GRCh37 (hg19) VCF-style: chrX-32563393-G-A.
Other names: c.2027C>T, p.Thr676Ile (NM_000109.4); c.2039C>T, p.Thr680Ile (NM_004009.3); c.1682C>T, p.Thr561Ile (NM_004010.3); short protein forms T680I, T684I, T676I, T561I.
Identifiers: ClinVar variation 3502580 (VCV003502580.1).

ClinVar aggregate classification (germline): Uncertain significance (1 of 4 stars; one submission).

Conditions:
Cardiovascular phenotype. Identifiers: MedGen CN230736.

Submission:

Ambry Genetics
Classification: Uncertain significance for Cardiovascular phenotype. Last evaluated: 2024-08-23. Review status: criteria provided, single submitter. Criteria: Ambry Variant Classification Scheme 2023. Collection method: clinical testing. Allele origin: germline.
Comment: The p.T684I variant (also known as c.2051C>T), located in coding exon 17 of the DMD gene, results from a C to T substitution at nucleotide position 2051. The threonine at codon 684 is replaced by isoleucine, an amino acid with similar properties. Based on data from gnomAD, the T allele has an overall frequency of 0.0005% (1/183177) total alleles studied, with 1 hemizygote(s) observed. The highest observed frequency was 0.0012% (1/81740) of European (non-Finnish) alleles. This amino acid position is highly conserved in available vertebrate species. In addition, the in silico prediction for this alteration is inconclusive. Based on the available evidence, the clinical significance of this variant remains unclear.